The following is an entry in ClinVar:

NM_000405.5(GM2A):c.261G>A (p.Glu87=)

Gene: GM2A (ganglioside GM2 activator; plus strand). Cytogenetic location: 5q33.1.
Variant type: single nucleotide variant.
Coding change: c.261G>A on transcript NM_000405.5 (MANE Select); coding-DNA position 261, G replaced by A.
Protein change: p.Glu87=; no amino-acid change (glutamic acid 87 retained).
Molecular consequence: synonymous variant.
Genome position (GRCh38, 1-based): chr5:151,266,748, G>A. VCF-style: chr5-151266748-G-A. GRCh37 (hg19) VCF-style: chr5-150646309-G-A.
Other names: c.261G>A, p.Glu87= (NM_001167607.3).
Identifiers: ClinVar variation 2655945 (VCV002655945.27), dbSNP rs201066568, ClinGen allele CA3517919.

ClinVar aggregate classification (germline): Likely benign. Review status: criteria provided, multiple submitters, no conflicts (2 of 4 stars). 2 submissions from 2 submitters: Likely benign (2). Last evaluated 2025-08-18.

Conditions:
Tay-Sachs disease, variant AB. Also called: Gm2-gangliosidosis, ab variant; GM2 Activator Deficiency. Identifiers: Orphanet 309246, MedGen C0268275, MONDO:0010099, OMIM 272750.

Allele frequency attached by ClinVar (database versions not stated): ExAC 0.00004; gnomAD exomes 0.00009; TOPMed 0.00009; gnomAD 0.00012; ESP Exome Variant Server 0.00015.
gnomAD v4.1: 163 of 1,613,642 alleles (0.01%); highest among the groups gnomAD compares: Non-Finnish European, 0.011%; no homozygotes.

Submissions (2):

Labcorp Genetics (formerly Invitae), Labcorp
Classification: Likely benign for Tay-Sachs disease, variant AB. Last evaluated: 2025-08-18. Review status: criteria provided, single submitter. Criteria: Invitae Variant Classification Sherloc (09022015). Collection method: clinical testing. Allele origin: germline.

CeGaT Center for Human Genetics Tuebingen
Classification: Likely benign. Last evaluated: 2022-05-01. Review status: criteria provided, single submitter. Criteria: CeGaT Center For Human Genetics Tuebingen Variant Classification Criteria Version 2. Collection method: clinical testing. Allele origin: germline. Affected: yes. Observed: 1 variant allele.
Comment: GM2A: BP4, BP7